The following is an entry in ClinVar:

NM_000687.4(AHCY):c.382A>T (p.Ile128Phe)

Gene: AHCY (adenosylhomocysteinase; minus strand). Cytogenetic location: 20q11.22.
Variant type: single nucleotide variant.
Coding change: c.382A>T on transcript NM_000687.4 (MANE Select); coding-DNA position 382, A replaced by T.
Protein change: p.Ile128Phe; replaces isoleucine 128 with phenylalanine.
Molecular consequence: missense variant.
Genome position (GRCh38, 1-based): chr20:34,292,421, T>A on the plus strand (A>T on the coding strand, the complement: AHCY is on the minus strand). VCF-style: chr20-34292421-T-A. GRCh37 (hg19) VCF-style: chr20-32880227-T-A.
Other names: c.298A>T, p.Ile100Phe (NM_001161766.2, NM_001322084.2, NM_001322085.2); c.388A>T, p.Ile130Phe (NM_001322086.2); c.382A>T, p.Ile128Phe (NM_001362750.2); short protein forms I100F, I128F, I130F.
Identifiers: ClinVar variation 452109 (VCV000452109.3), dbSNP rs1382257949, ClinGen allele CA408659126.

ClinVar aggregate classification (germline): Uncertain significance (1 of 4 stars; one submission).

Submission:

GeneDx
Classification: Uncertain significance. Last evaluated: 2019-10-08. Review status: criteria provided, single submitter. Criteria: GeneDx Variant Classification Process June 2021. Collection method: clinical testing. Allele origin: germline. Affected: yes.
Comment: Not observed in large population cohorts (Lek et al., 2016); In silico analysis, which includes protein predictors and evolutionary conservation, supports a deleterious effect; Has not been previously published as pathogenic or benign to our knowledge